The following is an entry in ClinVar:

NM_001148.6(ANK2):c.8027G>A (p.Gly2676Asp)

Gene: ANK2 (ankyrin 2; plus strand). Cytogenetic location: 4q26.
Variant type: single nucleotide variant.
Coding change: c.8027G>A on transcript NM_001148.6 (MANE Select); coding-DNA position 8027, G replaced by A.
Protein change: p.Gly2676Asp; replaces glycine 2676 with aspartic acid.
Molecular consequence: missense variant. On other transcripts: intron variant (68).
Genome position (GRCh38, 1-based): chr4:113,356,645, G>A. VCF-style: chr4-113356645-G-A. GRCh37 (hg19) VCF-style: chr4-114277801-G-A.
Other names: c.8027G>A (NM_001148.4); c.7793G>A, p.Gly2598Asp (NM_001386142.1); c.4427G>A, p.Gly1476Asp (NM_001386166.1); c.8168G>A, p.Gly2723Asp (NM_001386174.1); c.8144G>A, p.Gly2715Asp (NM_001386175.1); c.4412-4178G>A (NM_001386186.2, NM_001386148.2); c.4214-4178G>A (NM_001354269.3); c.4292-4178G>A (NM_001386187.2); and 36 more; short protein forms G2715D, G2676D, G2598D, G1476D, G2723D.
Identifiers: ClinVar variation 1373823 (VCV001373823.13), dbSNP rs752323136, ClinGen allele CA357932887.

ClinVar aggregate classification (germline): Conflicting classifications of pathogenicity. Review status: criteria provided, conflicting classifications (1 of 4 stars). 4 submissions from 4 submitters: Uncertain significance (3); Likely benign (1). Last evaluated 2024-12-22.

Conditions:
Long QT syndrome (LQTS). Identifiers: MedGen C0023976, MeSH D008133, MONDO:0002442. Disease mechanism: loss of function. Inheritance: Various modes of inheritance.
Cardiovascular phenotype. Identifiers: MedGen CN230736.
ANK2-associated Complex Neurodevelopmental Disorder.

Allele frequency attached by ClinVar (database versions not stated): TOPMed 0.00001.
gnomAD v4.1: 17 of 1,614,076 alleles (0.0011%); highest among the groups gnomAD compares: Admixed American, 0.0033%; no homozygotes.

Submissions (4):

Ambry Genetics
Classification: Uncertain significance for Cardiovascular phenotype. Last evaluated: 2024-12-22. Review status: criteria provided, single submitter. Criteria: Ambry Variant Classification Scheme 2023. Collection method: clinical testing. Allele origin: germline.

Blueprint Genetics
Classification: Likely benign. Last evaluated: 2024-10-17. Review status: criteria provided, single submitter. Criteria: ACMG Guidelines, 2015. Collection method: clinical testing. Allele origin: germline.

Labcorp Genetics (formerly Invitae), Labcorp
Classification: Uncertain significance for Long QT syndrome. Last evaluated: 2023-09-23. Review status: criteria provided, single submitter. Criteria: Invitae Variant Classification Sherloc (09022015). Collection method: clinical testing. Allele origin: germline.
Comment: In summary, the available evidence is currently insufficient to determine the role of this variant in disease. Therefore, it has been classified as a Variant of Uncertain Significance. Algorithms developed to predict the effect of missense changes on protein structure and function output the following: SIFT: "Not Available"; PolyPhen-2: "Benign"; Align-GVGD: "Not Available". The aspartic acid amino acid residue is found in multiple mammalian species, which suggests that this missense change does not adversely affect protein function. ClinVar contains an entry for this variant (Variation ID: 1373823). This variant has not been reported in the literature in individuals affected with ANK2-related conditions. This variant is present in population databases (no rsID available, gnomAD 0.006%). This sequence change replaces glycine, which is neutral and non-polar, with aspartic acid, which is acidic and polar, at codon 2676 of the ANK2 protein (p.Gly2676Asp).

New York Genome Center
Classification: Uncertain significance for ANK2-associated Complex Neurodevelopmental Disorder. Last evaluated: 2021-07-16. Review status: criteria provided, single submitter. Criteria: NYGC Assertion Criteria 2020. Collection method: clinical testing. Allele origin: germline. Observed: 1 variant allele. Study: CSER-NYCKidSeq.
Comment: The c.8027G>A (p.Gly2676Asp) variant identified in the ANK2 gene substitutes a moderately conserved Glycine for Aspartic Acid at amino acid 2676/3958 (exon 38/46) in the canonical transcript NM_001148.6. ANK2 is alternatively spliced, and this variant is within a different amino acid or intronic in other non-canonical transcripts. This variant is absent from gnomAD(v3.1.1) suggesting it is not a common benign variant in the populations represented in that database. In silico algorithms predict this variant to be Tolerated (SIFT; score:0.300) and Benign (REVEL; score:0.107) to the function of the canonical transcript. This variant is absent from ClinVar, and to our current knowledge has not been reported in affected individuals in the literature. The p.Gly2676 residue is not within a mapped domain of ANK2 (UniProtKB:Q01484). Given the lack of compelling evidence for its pathogenicity, the c.8027G>A (p.Gly2676Asp) variant identified in the ANK2 gene is reported here as a Variant of Uncertain Significance.